The following is an entry in ClinVar:

ClinVar aggregate classification (germline): Uncertain significance (1 of 4 stars; one submission).

Conditions:
Ullrich congenital muscular dystrophy 2 (UCMD2). Identifiers: Orphanet 75840, MedGen C4225314, MONDO:0014654, OMIM 616470.
Bethlem myopathy 2 (BTHLM2). Identifiers: Orphanet 536516, Orphanet 610, MedGen C4225313, MONDO:0034022, OMIM 616471.

Submissions (2):

Labcorp Genetics (formerly Invitae), Labcorp
Classification: Uncertain significance for Bethlem myopathy 2; Ullrich congenital muscular dystrophy 2. Last evaluated: 2025-06-10. Review status: criteria provided, single submitter. Criteria: Invitae Variant Classification Sherloc (09022015). Collection method: clinical testing. Allele origin: germline.
Comment: This sequence change affects a donor splice site in intron 10 of the COL12A1 gene. Multiple COL12A1 isoforms have been reported, and the functional impact of this variant is uncertain (PMID: 8601036). This variant is not present in population databases (gnomAD no frequency). This variant has not been reported in the literature in individuals affected with COL12A1-related conditions. ClinVar contains an entry for this variant (Variation ID: 3750249). Variants that disrupt the consensus splice site are a relatively common cause of aberrant splicing (PMID: 17576681, 9536098). Algorithms developed to predict the effect of sequence changes on RNA splicing suggest that this variant may disrupt the consensus splice site. In summary, the available evidence is currently insufficient to determine the role of this variant in disease. Therefore, it has been classified as a Variant of Uncertain Significance.

Dr. Peter K. Rogan Lab, Western University
No classification provided (evidence only). Condition: Squamous cell lung carcinoma. Review status: no classification provided. Collection method: in vitro. Allele origin: not applicable. Functional consequence: retained intron. Not counted in ClinVar's aggregate classification.

Literature cited by the submitters: PubMed 8601036 (cited by Labcorp Genetics (formerly Invitae), Labcorp); PubMed 17576681 (cited by Labcorp Genetics (formerly Invitae), Labcorp); PubMed 9536098 (cited by Labcorp Genetics (formerly Invitae), Labcorp).

NM_004370.6(COL12A1):c.1891+1G>T

Gene: COL12A1 (collagen type XII alpha 1 chain; minus strand). Cytogenetic location: 6q13.
Variant type: single nucleotide variant.
Coding change: c.1891+1G>T on transcript NM_004370.6 (MANE Select); the canonical splice donor site of the intron after coding-DNA position 1891, G replaced by T.
Molecular consequence: splice donor variant. On other transcripts: intron variant (2).
Genome position (GRCh38, 1-based): chr6:75,183,049, C>A on the plus strand (G>T on the coding strand, the complement: COL12A1 is on the minus strand). VCF-style: chr6-75183049-C-A. GRCh37 (hg19) VCF-style: chr6-75892765-C-A.
Other names: c.73+19671G>T (NM_001424116.1, NM_080645.3); c.1891+1G>T (NM_001424115.1, NM_001424114.1, NM_001424113.1).
Identifiers: ClinVar variation 3750249 (VCV003750249.3).